The following is an entry in ClinVar:

ClinVar aggregate classification (germline): Uncertain significance (1 of 4 stars; one submission).

Conditions:
Familial thoracic aortic aneurysm and aortic dissection (TAAD). Also called: Thoracic aortic aneurysms and dissections. Identifiers: Orphanet 91387, MedGen C4707243, MONDO:0019625.

gnomAD v4.1: 5 of 1,612,272 alleles (0.00031%); highest among the groups gnomAD compares: Non-Finnish European, 0.00042%; no homozygotes.

Submission:

Ambry Genetics
Classification: Uncertain significance for Familial thoracic aortic aneurysm and aortic dissection. Last evaluated: 2025-03-25. Review status: criteria provided, single submitter. Criteria: Ambry Variant Classification Scheme 2023. Collection method: clinical testing. Allele origin: germline.
Comment: The p.L1834P variant (also known as c.5501T>C), located in coding exon 30 of the NOTCH1 gene, results from a T to C substitution at nucleotide position 5501. The leucine at codon 1834 is replaced by proline, an amino acid with similar properties. This amino acid position is conserved. In addition, this alteration is predicted to be tolerated by in silico analysis. Based on the available evidence, the clinical significance of this variant remains unclear.

NM_017617.5(NOTCH1):c.5501T>C (p.Leu1834Pro)

Gene: NOTCH1 (notch receptor 1; minus strand). Cytogenetic location: 9q34.3.
Variant type: single nucleotide variant.
Coding change: c.5501T>C on transcript NM_017617.5 (MANE Select); coding-DNA position 5501, T replaced by C.
Protein change: p.Leu1834Pro; replaces leucine 1834 with proline.
Molecular consequence: missense variant.
Genome position (GRCh38, 1-based): chr9:136,501,885, A>G on the plus strand (T>C on the coding strand, the complement: NOTCH1 is on the minus strand). VCF-style: chr9-136501885-A-G. GRCh37 (hg19) VCF-style: chr9-139396337-A-G.
Other names: short protein forms L1834P.
Identifiers: ClinVar variation 3921039 (VCV003921039.1).